The following is an entry in ClinVar:

ClinVar aggregate classification (germline): Pathogenic (1 of 4 stars; one submission).

Submission:

Labcorp Genetics (formerly Invitae), Labcorp
Classification: Pathogenic. Last evaluated: 2025-11-25. Review status: criteria provided, single submitter. Criteria: Invitae Variant Classification Sherloc (09022015). Collection method: clinical testing. Allele origin: germline.
Comment: This sequence change creates a premature translational stop signal (p.Glu358Valfs*7) in the RCBTB1 gene. It is expected to result in an absent or disrupted protein product. Loss-of-function variants in RCBTB1 are known to be pathogenic (PMID: 31494449). This variant is not present in population databases (gnomAD no frequency). This variant has not been reported in the literature in individuals affected with RCBTB1-related conditions. For these reasons, this variant has been classified as Pathogenic.

Literature cited by the submitters: PubMed 31494449.

NM_018191.4(RCBTB1):c.1073_1074del (p.Glu358fs)

Gene: RCBTB1 (RCC1 and BTB domain containing protein 1; minus strand). Cytogenetic location: 13q14.2.
Variant type: Microsatellite.
Coding change: c.1073_1074del on transcript NM_018191.4 (MANE Select); coding-DNA positions 1073 to 1074, 2 bases deleted (AG; older notation c.1073_1074delAG).
Protein change: p.Glu358fs; shifts the reading frame from glutamic acid 358.
Molecular consequence: frameshift variant. On other transcripts: non-coding transcript variant (2).
Genome position (GRCh38, 1-based): chr13:49,544,835-49,544,836, CT deleted on the plus strand (AG on the coding strand, the reverse complement: RCBTB1 is on the minus strand); deleting any 2 consecutive bases within chr13:49,544,835-49,544,838 gives the same sequence; the c. name uses the placement nearest the transcript's 3' end. VCF-style (leftmost placement, unchanged base first): chr13-49544834-ACT-A. GRCh37 (hg19) VCF-style: chr13-50118970-ACT-A.
Other names: c.1073_1074del, p.Glu358fs (NM_001352500.2, NM_001352501.2, NM_001352502.2 and 2 more transcripts); c.494_495del, p.Glu165fs (NM_001352506.2); short protein forms E165fs, E358fs.
Identifiers: ClinVar variation 4805149 (VCV004805149.1).